The following is an entry in ClinVar:

ClinVar aggregate classification (germline): Likely benign (1 of 4 stars; one submission).

Allele frequency attached by ClinVar (database versions not stated): gnomAD exomes 0.00069; gnomAD 0.00824 and 0.00883; TOPMed 0.00899; 1000 Genomes Project 0.00958; 1000 Genomes Project 30x 0.00999.
gnomAD v4.1: 2,279 of 1,576,966 alleles (0.14%); highest among the groups gnomAD compares: African/African-American, 2.8%; 28 homozygotes.

Submission:

GeneDx
Classification: Likely benign. Last evaluated: 2018-06-19. Review status: criteria provided, single submitter. Criteria: GeneDx Variant Classification (06012015). Collection method: clinical testing. Allele origin: germline. Affected: yes.
Comment: This variant is considered likely benign or benign based on one or more of the following criteria: it is a conservative change, it occurs at a poorly conserved position in the protein, it is predicted to be benign by multiple in silico algorithms, and/or has population frequency not consistent with disease.

NM_003283.6(TNNT1):c.501+71C>T

Gene: TNNT1 (troponin T1, slow skeletal type; minus strand). Cytogenetic location: 19q13.42.
Variant type: single nucleotide variant.
Coding change: c.501+71C>T on transcript NM_003283.6 (MANE Select); 71 bases into the intron after coding-DNA position 501, C replaced by T.
Molecular consequence: intron variant.
Genome position (GRCh38, 1-based): chr19:55,137,890, G>A on the plus strand (C>T on the coding strand, the complement: TNNT1 is on the minus strand). VCF-style: chr19-55137890-G-A. GRCh37 (hg19) VCF-style: chr19-55649258-G-A.
Other names: c.468+71C>T (NM_001126133.3, NM_001291774.2); c.501+71C>T (NM_001126132.3).
Identifiers: ClinVar variation 678409 (VCV000678409.1), dbSNP rs115866474, ClinGen allele CA310132240.
Genomic context (GRCh38, chr19:55,137,890, plus strand): 5'-AGGGCCCAGCCCCTCCTCCCTCAGACCCAGGAATCCAGGCCTCAGCCCCTCCTCCGTTAG[G>A]AACCAGAGGTCTGGCCCCCAGCCCCTGCCCCCTCAGAACTCAGACCTCAGGCTCCTGCAG-3'